The following is an entry in ClinVar:

ClinVar aggregate classification (germline): Conflicting classifications of pathogenicity. Review status: criteria provided, conflicting classifications (1 of 4 stars). 2 submissions from 2 submitters: Uncertain significance (1); Likely benign (1). Last evaluated 2025-06-22.

Allele frequency attached by ClinVar (database versions not stated): ExAC 0.00016; TOPMed 0.00020; ESP Exome Variant Server 0.00023; gnomAD 0.00024.
gnomAD v4.1: 782 of 1,613,790 alleles (0.048%); highest among the groups gnomAD compares: Non-Finnish European, 0.064%; no homozygotes.

Submissions (2):

Labcorp Genetics (formerly Invitae), Labcorp
Classification: Uncertain significance. Last evaluated: 2025-06-22. Review status: criteria provided, single submitter. Criteria: Invitae Variant Classification Sherloc (09022015). Collection method: clinical testing. Allele origin: germline.
Comment: This sequence change replaces glutamic acid, which is acidic and polar, with lysine, which is basic and polar, at codon 457 of the ERMARD protein (p.Glu457Lys). This variant is present in population databases (rs376417698, gnomAD 0.04%). This variant has not been reported in the literature in individuals affected with ERMARD-related conditions. ClinVar contains an entry for this variant (Variation ID: 2657147). Invitae Evidence Modeling of protein sequence and biophysical properties (such as structural, functional, and spatial information, amino acid conservation, physicochemical variation, residue mobility, and thermodynamic stability) indicates that this missense variant is not expected to disrupt ERMARD protein function with a negative predictive value of 80%. Algorithms developed to predict the effect of sequence changes on RNA splicing suggest that this variant may disrupt the consensus splice site. In summary, the available evidence is currently insufficient to determine the role of this variant in disease. Therefore, it has been classified as a Variant of Uncertain Significance.

CeGaT Center for Human Genetics Tuebingen
Classification: Likely benign. Last evaluated: 2022-05-01. Review status: criteria provided, single submitter. Criteria: CeGaT Center For Human Genetics Tuebingen Variant Classification Criteria Version 2. Collection method: clinical testing. Allele origin: germline. Affected: yes. Observed: 1 variant allele.
Comment: ERMARD: BP4

NM_018341.3(ERMARD):c.1369G>A (p.Glu457Lys)

Gene: ERMARD (ER membrane associated RNA degradation; plus strand). Cytogenetic location: 6q27.
Variant type: single nucleotide variant.
Coding change: c.1369G>A on transcript NM_018341.3 (MANE Select); coding-DNA position 1369, G replaced by A.
Protein change: p.Glu457Lys; replaces glutamic acid 457 with lysine.
Molecular consequence: missense variant.
Genome position (GRCh38, 1-based): chr6:169,775,321, G>A. VCF-style: chr6-169775321-G-A. GRCh37 (hg19) VCF-style: chr6-170175417-G-A.
Other names: c.1369G>A, p.Glu457Lys (NM_001278531.2, NM_001278533.2); c.991G>A, p.Glu331Lys (NM_001278532.2); c.961G>A, p.Glu321Lys (NM_001410957.1); short protein forms E321K, E331K, E457K.
Identifiers: ClinVar variation 2657147 (VCV002657147.27), dbSNP rs376417698, ClinGen allele CA4106234.